The following is an entry in ClinVar:

NM_004046.6(ATP5F1A):c.557G>A (p.Arg186Gln)

Gene: ATP5F1A (ATP synthase F1 subunit alpha; minus strand). Cytogenetic location: 18q21.1.
Variant type: single nucleotide variant.
Coding change: c.557G>A on transcript NM_004046.6 (MANE Select); coding-DNA position 557, G replaced by A.
Protein change: p.Arg186Gln; replaces arginine 186 with glutamine.
Molecular consequence: missense variant.
Genome position (GRCh38, 1-based): chr18:46,089,659, C>T on the plus strand (G>A on the coding strand, the complement: ATP5F1A is on the minus strand). VCF-style: chr18-46089659-C-T. GRCh37 (hg19) VCF-style: chr18-43669625-C-T.
Other names: c.557G>A (NM_001001937.1); c.407G>A, p.Arg136Gln (NM_001001935.3, NM_001257335.2); c.557G>A, p.Arg186Gln (NM_001001937.2); c.491G>A, p.Arg164Gln (NM_001257334.2); short protein forms R186Q, R164Q, R136Q.
Identifiers: ClinVar variation 3708923 (VCV003708923.3).

ClinVar aggregate classification (germline): Uncertain significance. Review status: criteria provided, multiple submitters, no conflicts (2 of 4 stars). 2 submissions from 2 submitters: Uncertain significance (2). Last evaluated 2025-10-07.

Conditions:
Inborn genetic diseases. Identifiers: MedGen C0950123, MeSH D030342.

gnomAD v4.1: 96 of 1,613,924 alleles (0.0059%); highest among the groups gnomAD compares: Middle Eastern, 0.016%; 1 homozygote.

Submissions (2):

Ambry Genetics
Classification: Uncertain significance for Inborn genetic diseases. Last evaluated: 2025-10-07. Review status: criteria provided, single submitter. Criteria: Ambry Variant Classification Scheme 2023. Collection method: clinical testing. Allele origin: germline.

Labcorp Genetics (formerly Invitae), Labcorp
Classification: Uncertain significance. Last evaluated: 2025-06-02. Review status: criteria provided, single submitter. Criteria: Invitae Variant Classification Sherloc (09022015). Collection method: clinical testing. Allele origin: germline.
Comment: This sequence change replaces arginine, which is basic and polar, with glutamine, which is neutral and polar, at codon 186 of the ATP5A1 protein (p.Arg186Gln). This variant is present in population databases (rs751000227, gnomAD 0.007%), including at least one homozygous and/or hemizygous individual. This variant has not been reported in the literature in individuals affected with ATP5A1-related conditions. ClinVar contains an entry for this variant (Variation ID: 3708923). Invitae Evidence Modeling of protein sequence and biophysical properties (such as structural, functional, and spatial information, amino acid conservation, physicochemical variation, residue mobility, and thermodynamic stability) indicates that this missense variant is not expected to disrupt ATP5A1 protein function with a negative predictive value of 80%. In summary, the available evidence is currently insufficient to determine the role of this variant in disease. Therefore, it has been classified as a Variant of Uncertain Significance.